The following is an entry in ClinVar:

NM_003647.3(DGKE):c.98C>G (p.Pro33Arg)

Gene: DGKE (diacylglycerol kinase epsilon; plus strand). Cytogenetic location: 17q22.
Variant type: single nucleotide variant.
Coding change: c.98C>G on transcript NM_003647.3 (MANE Select); coding-DNA position 98, C replaced by G.
Protein change: p.Pro33Arg; replaces proline 33 with arginine.
Molecular consequence: missense variant.
Genome position (GRCh38, 1-based): chr17:56,834,893, C>G. VCF-style: chr17-56834893-C-G. GRCh37 (hg19) VCF-style: chr17-54912254-C-G.
Other names: short protein forms P33R.
Identifiers: ClinVar variation 2096237 (VCV002096237.4), dbSNP rs1906482079, ClinGen allele CA399920970.
Genomic context (GRCh38, chr17:56,834,893, plus strand): 5'-CCGAGGGCCTGTTTGCGGACGGGCACCTGATCTTGTGGACGCTGTGCTCGGTCCTGCTGC[C>G]GGTGTTCATCACCTTCTGGTGTAGCCTCCAGCGGTCGCGCCGGCAGCTGCACCGCAGGGA-3'
Protein context (NP_003638.1, residues 23-43): ILWTLCSVLL[Pro33Arg]VFITFWCSLQ

ClinVar aggregate classification (germline): Uncertain significance (1 of 4 stars; one submission).

Allele frequency attached by ClinVar (database versions not stated): gnomAD 0.00001.
gnomAD v4.1: 2 of 1,613,598 alleles (0.00012%); highest among the groups gnomAD compares: Admixed American, 0.0033%; no homozygotes.

Submission:

Labcorp Genetics (formerly Invitae), Labcorp
Classification: Uncertain significance. Last evaluated: 2022-05-12. Review status: criteria provided, single submitter. Criteria: Invitae Variant Classification Sherloc (09022015). Collection method: clinical testing. Allele origin: germline.
Comment: In summary, the available evidence is currently insufficient to determine the role of this variant in disease. Therefore, it has been classified as a Variant of Uncertain Significance. Algorithms developed to predict the effect of missense changes on protein structure and function are either unavailable or do not agree on the potential impact of this missense change (SIFT: "Deleterious"; PolyPhen-2: "Probably Damaging"; Align-GVGD: "Class C15"). This variant has not been reported in the literature in individuals affected with DGKE-related conditions. This variant is not present in population databases (gnomAD no frequency). This sequence change replaces proline, which is neutral and non-polar, with arginine, which is basic and polar, at codon 33 of the DGKE protein (p.Pro33Arg).